The following is an entry in ClinVar:

ClinVar aggregate classification (germline): Benign (3 of 4 stars; one submission).

Conditions:
Breast-ovarian cancer, familial, susceptibility to, 2 (BROVCA2). Also called: BRCA2 Hereditary Breast and Ovarian Cancer. Identifiers: Orphanet 145, MedGen C2675520, MONDO:0012933, OMIM 612555. Disease mechanism: loss of function.

Allele frequency attached by ClinVar (database versions not stated): gnomAD 0.21103 and 0.21174; TOPMed 0.21126; 1000 Genomes Project 0.22804; 1000 Genomes Project 30x 0.22908.
gnomAD v4.1: 32,278 of 152,154 alleles (21%); highest among the groups gnomAD compares: Middle Eastern, 26%; 3,488 homozygotes.

Submission:

Evidence-based Network for the Interpretation of Germline Mutant Alleles (ENIGMA)
Classification: Benign for Breast-ovarian cancer, familial 2. Last evaluated: 2015-01-12. Review status: reviewed by expert panel. Criteria: ENIGMA BRCA1/2 Classification Criteria (2015). Collection method: curation. Allele origin: germline.
Comment: Class 1 not pathogenic based on frequency >1% in an outbred sampleset. Frequency 0.2587 (Asian), 0.2195 (African), 0.2137 (European), derived from 1000 genomes (2012-04-30).

NM_000059.4(BRCA2):c.9256+2475G>A

Gene: BRCA2 (BRCA2 DNA repair associated; plus strand). Cytogenetic location: 13q13.1.
Variant type: single nucleotide variant.
Coding change: c.9256+2475G>A on transcript NM_000059.4 (MANE Select); 2475 bases into the intron after coding-DNA position 9256, G replaced by A.
Molecular consequence: intron variant.
Genome position (GRCh38, 1-based): chr13:32,382,620, G>A. VCF-style: chr13-32382620-G-A. GRCh37 (hg19) VCF-style: chr13-32956757-G-A.
Other names: IVS 24+2475G>A.
Identifiers: ClinVar variation 209858 (VCV000209858.1), dbSNP rs206146, ClinGen allele CA276826.